The following is an entry in ClinVar:

NM_001136233.3(SUPT20HL2):c.870A>G (p.Val290=)

Gene: SUPT20HL2 (SUPT20H like 2; minus strand). Cytogenetic location: Xp22.11.
Variant type: single nucleotide variant.
Coding change: c.870A>G on transcript NM_001136233.3 (MANE Select); coding-DNA position 870, A replaced by G.
Protein change: p.Val290=; no amino-acid change (valine 290 retained).
Molecular consequence: synonymous variant.
Genome position (GRCh38, 1-based): chrX:24,312,446, T>C on the plus strand (A>G on the coding strand, the complement: SUPT20HL2 is on the minus strand). VCF-style: chrX-24312446-T-C. GRCh37 (hg19) VCF-style: chrX-24330563-T-C.
Identifiers: ClinVar variation 2660185 (VCV002660185.24), dbSNP rs774292674, ClinGen allele CA10371515.

ClinVar aggregate classification (germline): Likely benign (1 of 4 stars; one submission).

Allele frequency attached by ClinVar (database versions not stated): gnomAD exomes below 0.00001; TOPMed below 0.00001; ExAC 0.00001.

Submission:

CeGaT Center for Human Genetics Tuebingen
Classification: Likely benign. Last evaluated: 2022-08-01. Review status: criteria provided, single submitter. Criteria: CeGaT Center For Human Genetics Tuebingen Variant Classification Criteria Version 2. Collection method: clinical testing. Allele origin: germline. Affected: yes. Observed: 1 variant allele.
Comment: SUPT20HL2: BP4, BP7